The following is an entry in ClinVar:

ClinVar aggregate classification (germline): Benign. Review status: criteria provided, multiple submitters, no conflicts (2 of 4 stars). 8 submissions from 8 submitters: Benign (7). 1 of the submissions does not count toward it. Last evaluated 2026-02-04.

Conditions:
Carcinoma of colon (CRC). Also called: Colonic carcinoma; Colon carcinoma. Identifiers: MedGen C0699790, MONDO:0002032.
POLD1-related polyposis and colorectal cancer syndrome (CRCS10). Also called: Colorectal cancer 10; COLORECTAL CANCER, SUSCEPTIBILITY TO, ON CHROMOSOME 19q; Colorectal cancer, susceptibility to, 10. Identifiers: Orphanet 220460, MedGen C2675481, MONDO:0012953, OMIM 612591.
Hereditary cancer-predisposing syndrome. Also called: Neoplastic Syndromes, Hereditary; Hereditary neoplastic syndrome; Tumor predisposition; Hereditary Cancer Syndrome. Identifiers: Orphanet 140162, MedGen C0027672, MeSH D009386, MONDO:0015356.

Allele frequency attached by ClinVar (database versions not stated): gnomAD exomes 0.00176 and 0.00519; ExAC 0.00612; gnomAD 0.01927 and 0.02057; ESP Exome Variant Server 0.02047; TOPMed 0.02171; 1000 Genomes Project 0.02316; 1000 Genomes Project 30x 0.02389.

Submissions (8):

Labcorp Genetics (formerly Invitae), Labcorp
Classification: Benign for POLD1-related polyposis and colorectal cancer syndrome. Last evaluated: 2026-02-04. Review status: criteria provided, single submitter. Criteria: Invitae Variant Classification Sherloc (09022015). Collection method: clinical testing. Allele origin: germline.

Center for Genomic Medicine, Rigshospitalet, Copenhagen University Hospital
Classification: Benign. Last evaluated: 2025-03-04. Review status: criteria provided, single submitter. Criteria: ACMG Guidelines, 2015. Collection method: clinical testing. Allele origin: germline.

ARUP Laboratories, Molecular Genetics and Genomics, ARUP Laboratories
Classification: Benign. Last evaluated: 2024-12-26. Review status: criteria provided, single submitter. Criteria: ARUP Molecular Germline Variant Investigation Process 2024. Collection method: clinical testing. Allele origin: germline.

GeneDx
Classification: Benign. Last evaluated: 2019-11-19. Review status: criteria provided, single submitter. Criteria: GeneDx Variant Classification Process June 2021. Collection method: clinical testing. Allele origin: germline. Affected: yes.

PreventionGenetics, part of Exact Sciences
Classification: Benign. Last evaluated: 2016-12-12. Review status: criteria provided, single submitter. Criteria: ACMG Guidelines, 2015. Collection method: clinical testing. Allele origin: germline.

Women's Health and Genetics/Laboratory Corporation of America, LabCorp
Classification: Benign. Last evaluated: 2016-05-19. Review status: criteria provided, single submitter. Criteria: LabCorp Variant Classification Summary - May 2015. Collection method: clinical testing. Allele origin: germline.
Comment: Variant summary: The POLD1 c.2154+13_2154+14insA variant involves the insertion of an intronic nucleotide. One in silico tool predicts a benign outcome for this variant. 5/5 splice prediction tools predict no significant impact on normal splicing. However, these predictions have yet to be confirmed by functional studies. This variant was found in 686/112178 control chromosomes (26 homozygotes), predominantly observed in the African subpopulation at a frequency of 0.0667447 (627/9394). This frequency is about 4699 times the estimated maximal expected allele frequency of a pathogenic POLD1 variant (0.0000142), suggesting this is likely a benign polymorphism found primarily in the populations of African origin. The variant of interest has not, to our knowledge, been reported in affected individuals via publications and/or reputable databases/clinical diagnostic laboratories; nor evaluated for functional impact by in vivo/vitro studies. Taken together, this variant is classified as benign.

Ambry Genetics
Classification: Benign for Hereditary cancer-predisposing syndrome. Last evaluated: 2015-05-21. Review status: criteria provided, single submitter. Criteria: Ambry Variant Classification Scheme 2023. Collection method: clinical testing. Allele origin: germline.

Department of Pathology and Laboratory Medicine, Sinai Health System
Classification: Benign for Carcinoma of colon. Review status: no assertion criteria provided. Collection method: clinical testing. Allele origin: unknown. Affected: yes. Observed: 1 variant allele. Study: The Canadian Open Genetics Repository (COGR). Not counted in ClinVar's aggregate classification.
Comment: The POLD1 c.2154+13_2154+14insA variant was not identified in the literature nor was it identified in MutDB. The variant was identified in dbSNP (ID: rs3218767 as With Benign allele) and ClinVar (2x as benign). The variant was identified in control databases in 1751 of 261160 chromosomes (64 homozygous) at a frequency of 0.007 increasing the likelihood this could be a low frequency benign variant (Genome Aggregation Database Feb 27, 2017). Breakdown of the observations by population include African in 1563 of 23566 chromosomes (freq: 0.07), Latino in 153 of 32366 chromosomes (freq: 0.005), Other in 13 of 6046 chromosomes (freq: 0.002), European Non-Finnish in 20 of 118628 chromosomes (freq: 0.0002), Ashkenazi Jewish in 1 of 8814 chromosomes (freq: 0.0001), South Asian in 1 of 28168 chromosomes (freq: 0.00004), while the variant was not observed in the East Asian or Finnish populations. The variant occurs outside of the splicing consensus sequence and in silico or computational prediction software programs (SpliceSiteFinder, MaxEntScan, NNSPLICE, GeneSplicer, HumanSpliceFinder) do not predict a difference in splicing. In summary, based on the above information this variant meets our laboratory's criteria to be classified as benign.

NM_002691.4(POLD1):c.2154+13_2154+14insA

Gene: POLD1 (DNA polymerase delta 1, catalytic subunit; plus strand). Cytogenetic location: 19q13.33.
Variant type: Insertion.
Coding change: c.2154+13_2154+14insA on transcript NM_002691.4 (MANE Select); bases 13 to 14 of the intron after coding-DNA position 2154, A inserted.
Molecular consequence: intron variant.
Genome position: GRCh38 VCF-style: chr19-50409679-G-GA. GRCh37 (hg19) VCF-style: chr19-50912936-G-GA.
Other names: c.2154+13_2154+14insA (LRG_785t1, NM_001256849.1); c.2232+13_2232+14insA (LRG_785t2, NM_001308632.1).
Identifiers: ClinVar variation 419831 (VCV000419831.28), dbSNP rs3218767, ClinGen allele CA9596399.